The following is an entry in ClinVar:

NC_000007.13:g.(?_21605286)_(21609749_?)del

Gene: DNAH11 (dynein axonemal heavy chain 11; plus strand). Cytogenetic location: 7p15.3.
Variant type: Deletion.
Identifiers: ClinVar variation 3245644 (VCV003245644.1).

ClinVar aggregate classification (germline): Likely pathogenic (1 of 4 stars; one submission).

Conditions:
Primary ciliary dyskinesia. Also called: Ciliary dyskinesia. Identifiers: Orphanet 244, MedGen C0008780, MONDO:0016575, HP:0012265.

Submission:

Labcorp Genetics (formerly Invitae), Labcorp
Classification: Likely pathogenic for Primary ciliary dyskinesia. Last evaluated: 2022-12-23. Review status: criteria provided, single submitter. Criteria: Invitae Variant Classification Sherloc (09022015). Collection method: clinical testing. Allele origin: unknown.
Comment: In summary, the currently available evidence indicates that the variant is pathogenic, but additional data are needed to prove that conclusively. Therefore, this variant has been classified as Likely Pathogenic. This variant has not been reported in the literature in individuals affected with DNAH11-related conditions. This variant results in the deletion of part of exon 7 (c.1194+1271_1257del) of the DNAH11 gene. It is expected to disrupt RNA splicing. Variants that disrupt the donor or acceptor splice site typically lead to a loss of protein function (PMID: 16199547), and loss-of-function variants in DNAH11 are known to be pathogenic (PMID: 18022865, 20513915, 22184204).

Literature cited by the submitters: PubMed 16199547; PubMed 18022865; PubMed 20513915; PubMed 22184204.